The following is an entry in ClinVar:

ClinVar aggregate classification (germline): Conflicting classifications of pathogenicity. Review status: criteria provided, conflicting classifications (1 of 4 stars). 4 submissions from 4 submitters: Uncertain significance (2); Likely benign (2). Last evaluated 2024-04-11.

Conditions:
Inborn genetic diseases. Identifiers: MedGen C0950123, MeSH D030342.

Allele frequency attached by ClinVar (database versions not stated): gnomAD exomes below 0.00001 and 0.00001; TOPMed 0.00002.
gnomAD v4.1: 14 of 1,614,124 alleles (0.00087%); highest among the groups gnomAD compares: Non-Finnish European, 0.0011%; no homozygotes.

Submissions (4):

Labcorp Genetics (formerly Invitae), Labcorp
Classification: Likely benign. Last evaluated: 2024-04-11. Review status: criteria provided, single submitter. Criteria: Invitae Variant Classification Sherloc (09022015). Collection method: clinical testing. Allele origin: germline.

Blueprint Genetics
Classification: Likely benign. Last evaluated: 2023-03-29. Review status: criteria provided, single submitter. Criteria: ACMG Guidelines, 2015. Collection method: clinical testing. Allele origin: germline.

Ambry Genetics
Classification: Uncertain significance for Inborn genetic diseases. Last evaluated: 2022-05-09. Review status: criteria provided, single submitter. Criteria: Ambry Variant Classification Scheme 2023. Collection method: clinical testing. Allele origin: germline.

GeneDx
Classification: Uncertain significance. Last evaluated: 2019-11-20. Review status: criteria provided, single submitter. Criteria: GeneDx Variant Classification Process June 2021. Collection method: clinical testing. Allele origin: germline. Affected: yes.
Comment: Has not been previously published as pathogenic or benign to our knowledge; Not observed at a significant frequency in large population cohorts (Lek et al., 2016); In silico analysis, which includes protein predictors and evolutionary conservation, supports a deleterious effect; Not located in the triple helical region, where the majority of pathogenic missense variants occur (Stenson et al., 2014)

NM_001844.5(COL2A1):c.4436T>C (p.Val1479Ala)

Gene: COL2A1 (collagen type II alpha 1 chain; minus strand). Cytogenetic location: 12q13.11.
Variant type: single nucleotide variant.
Coding change: c.4436T>C on transcript NM_001844.5 (MANE Select); coding-DNA position 4436, T replaced by C.
Protein change: p.Val1479Ala; replaces valine 1479 with alanine.
Molecular consequence: missense variant.
Genome position (GRCh38, 1-based): chr12:47,973,435, A>G on the plus strand (T>C on the coding strand, the complement: COL2A1 is on the minus strand). VCF-style: chr12-47973435-A-G. GRCh37 (hg19) VCF-style: chr12-48367218-A-G.
Other names: c.4229T>C, p.Val1410Ala (NM_033150.3); short protein forms V1410A, V1479A.
Identifiers: ClinVar variation 1310486 (VCV001310486.8), dbSNP rs1414146646, ClinGen allele CA384533123.